The following is an entry in ClinVar:

ClinVar aggregate classification (germline): Uncertain significance. Review status: criteria provided, multiple submitters, no conflicts (2 of 4 stars). 2 submissions from 2 submitters: Uncertain significance (2). Last evaluated 2025-09-23.

Conditions:
Hereditary cancer-predisposing syndrome. Also called: Tumor predisposition; Neoplastic Syndromes, Hereditary; Hereditary neoplastic syndrome; Hereditary Cancer Syndrome. Identifiers: Orphanet 140162, MedGen C0027672, MeSH D009386, MONDO:0015356.
Ataxia-telangiectasia syndrome (AT). Also called: Ataxia-telangiectasia, complementation group D; AT, COMPLEMENTATION GROUP C; ATAXIA-TELANGIECTASIA, COMPLEMENTATION GROUP A; ATAXIA-TELANGIECTASIA, FRESNO VARIANT; Ataxia-telangiectasia; Ataxia telangiectasia (A-T). Identifiers: Orphanet 100, MedGen C0004135, MONDO:0008840, OMIM 208900.

Allele frequency attached by ClinVar (database versions not stated): gnomAD exomes below 0.00001.
gnomAD v4.1: 1 of 1,613,562 alleles (0.000062%); highest among the groups gnomAD compares: African/African-American, 0.0013%; no homozygotes.

Submissions (2):

Labcorp Genetics (formerly Invitae), Labcorp
Classification: Uncertain significance for Ataxia-telangiectasia syndrome. Last evaluated: 2025-09-23. Review status: criteria provided, single submitter. Criteria: Invitae Variant Classification Sherloc (09022015). Collection method: clinical testing. Allele origin: germline.
Comment: This sequence change replaces alanine, which is neutral and non-polar, with valine, which is neutral and non-polar, at codon 1945 of the ATM protein (p.Ala1945Val). This variant is present in population databases (no rsID available, gnomAD 0.007%). This variant has not been reported in the literature in individuals affected with ATM-related conditions. ClinVar contains an entry for this variant (Variation ID: 967593). Invitae Evidence Modeling of protein sequence and biophysical properties (such as structural, functional, and spatial information, amino acid conservation, physicochemical variation, residue mobility, and thermodynamic stability) has been performed for this missense variant. However, the output from this modeling did not meet the statistical confidence thresholds required to predict the impact of this variant on ATM protein function. In summary, the available evidence is currently insufficient to determine the role of this variant in disease. Therefore, it has been classified as a Variant of Uncertain Significance.

Ambry Genetics
Classification: Uncertain significance for Hereditary cancer-predisposing syndrome. Last evaluated: 2023-09-15. Review status: criteria provided, single submitter. Criteria: Ambry Variant Classification Scheme 2023. Collection method: clinical testing. Allele origin: germline.
Comment: The p.A1945V variant (also known as c.5834C>T), located in coding exon 38 of the ATM gene, results from a C to T substitution at nucleotide position 5834. The alanine at codon 1945 is replaced by valine, an amino acid with similar properties. This amino acid position is highly conserved in available vertebrate species. In addition, the in silico prediction for this alteration is inconclusive. Since supporting evidence is limited at this time, the clinical significance of this alteration remains unclear.

NM_000051.4(ATM):c.5834C>T (p.Ala1945Val)

Genes: ATM (ATM serine/threonine kinase; plus strand), C11orf65 (chromosome 11 open reading frame 65; minus strand). Cytogenetic location: 11q22.3.
Variant type: single nucleotide variant.
Coding change: c.5834C>T on transcript NM_000051.4 (MANE Select); coding-DNA position 5834, C replaced by T.
Protein change: p.Ala1945Val; replaces alanine 1945 with valine.
Molecular consequence: missense variant. On other transcripts: intron variant (2).
Genome position (GRCh38, 1-based): chr11:108,310,231, C>T. VCF-style: chr11-108310231-C-T. GRCh37 (hg19) VCF-style: chr11-108180958-C-T.
Other names: c.641-1160G>A (NM_001330368.2); c.*39-1160G>A (NM_001351110.2); c.5834C>T, p.Ala1945Val (NM_001351834.2); short protein forms A1945V.
Identifiers: ClinVar variation 967593 (VCV000967593.12), dbSNP rs1356309376, ClinGen allele CA382548425.